The following is an entry in ClinVar:

NM_001278512.2(AP3B2):c.1144A>G (p.Ile382Val)

Genes: AP3B2 (adaptor related protein complex 3 subunit beta 2; minus strand), CPEB1-AS1 (CPEB1 antisense RNA 1; plus strand). Cytogenetic location: 15q25.2.
Variant type: single nucleotide variant.
Coding change: c.1144A>G on transcript NM_001278512.2 (MANE Select); coding-DNA position 1144, A replaced by G.
Protein change: p.Ile382Val; replaces isoleucine 382 with valine.
Molecular consequence: missense variant.
Genome position (GRCh38, 1-based): chr15:82,679,767, T>C on the plus strand (A>G on the coding strand, the complement: AP3B2 is on the minus strand). VCF-style: chr15-82679767-T-C. GRCh37 (hg19) VCF-style: chr15-83348519-T-C.
Other names: c.1048A>G, p.Ile350Val (NM_001278511.2); c.1144A>G, p.Ile382Val (NM_004644.5); c.1144A>G (NM_004644.3); short protein forms I350V, I382V.
Identifiers: ClinVar variation 1466920 (VCV001466920.5), dbSNP rs367676344, ClinGen allele CA7700303.

ClinVar aggregate classification (germline): Uncertain significance. Review status: criteria provided, multiple submitters, no conflicts (2 of 4 stars). 2 submissions from 2 submitters: Uncertain significance (2). Last evaluated 2023-07-05.

Conditions:
Inborn genetic diseases. Identifiers: MedGen C0950123, MeSH D030342.

Allele frequency attached by ClinVar (database versions not stated): gnomAD 0.00001; gnomAD exomes 0.00002 and 0.00003; TOPMed 0.00002; ExAC 0.00003; ESP Exome Variant Server 0.00008; 1000 Genomes Project 0.00020; 1000 Genomes Project 30x 0.00031.
gnomAD v4.1: 43 of 1,613,824 alleles (0.0027%); highest among the groups gnomAD compares: Admixed American, 0.0067%; no homozygotes.

Submissions (2):

Ambry Genetics
Classification: Uncertain significance for Inborn genetic diseases. Last evaluated: 2023-07-05. Review status: criteria provided, single submitter. Criteria: Ambry Variant Classification Scheme 2023. Collection method: clinical testing. Allele origin: germline.

Labcorp Genetics (formerly Invitae), Labcorp
Classification: Uncertain significance. Last evaluated: 2022-06-14. Review status: criteria provided, single submitter. Criteria: Invitae Variant Classification Sherloc (09022015). Collection method: clinical testing. Allele origin: germline.
Comment: This sequence change replaces isoleucine, which is neutral and non-polar, with valine, which is neutral and non-polar, at codon 382 of the AP3B2 protein (p.Ile382Val). This variant is present in population databases (rs367676344, gnomAD 0.004%). This variant has not been reported in the literature in individuals affected with AP3B2-related conditions. Algorithms developed to predict the effect of missense changes on protein structure and function (SIFT, PolyPhen-2, Align-GVGD) all suggest that this variant is likely to be tolerated. In summary, the available evidence is currently insufficient to determine the role of this variant in disease. Therefore, it has been classified as a Variant of Uncertain Significance.